The following is an entry in ClinVar:

ClinVar aggregate classification (germline): Uncertain significance (1 of 4 stars; one submission).

Conditions:
Saldino-Mainzer syndrome (SRTD9). Also called: Renal dysplasia, retinal pigmentary dystrophy, cerebellar ataxia and skeletal dysplasia; CONORENAL SYNDROME; SHORT-RIB THORACIC DYSPLASIA 9 WITHOUT POLYDACTYLY; short-rib thoracic dysplasia 9 with or without polydactyly. Identifiers: Orphanet 140969, MedGen C1849437, MONDO:0009964, OMIM 266920.

Allele frequency attached by ClinVar (database versions not stated): gnomAD 0.00001.
gnomAD v4.1: 1 of 1,594,756 alleles (0.000063%); highest among the groups gnomAD compares: Non-Finnish European, 0.000085%; no homozygotes.

Submission:

Labcorp Genetics (formerly Invitae), Labcorp
Classification: Uncertain significance for Saldino-Mainzer syndrome. Last evaluated: 2024-10-29. Review status: criteria provided, single submitter. Criteria: Invitae Variant Classification Sherloc (09022015). Collection method: clinical testing. Allele origin: germline.
Comment: This sequence change replaces glutamic acid, which is acidic and polar, with lysine, which is basic and polar, at codon 846 of the IFT140 protein (p.Glu846Lys). This variant is present in population databases (no rsID available, gnomAD 0.007%). This variant has not been reported in the literature in individuals affected with IFT140-related conditions. ClinVar contains an entry for this variant (Variation ID: 1432925). Invitae Evidence Modeling of protein sequence and biophysical properties (such as structural, functional, and spatial information, amino acid conservation, physicochemical variation, residue mobility, and thermodynamic stability) indicates that this missense variant is not expected to disrupt IFT140 protein function with a negative predictive value of 80%. In summary, the available evidence is currently insufficient to determine the role of this variant in disease. Therefore, it has been classified as a Variant of Uncertain Significance.

NM_014714.4(IFT140):c.2536G>A (p.Glu846Lys)

Gene: IFT140 (intraflagellar transport 140; minus strand). Cytogenetic location: 16p13.3.
Variant type: single nucleotide variant.
Coding change: c.2536G>A on transcript NM_014714.4 (MANE Select); coding-DNA position 2536, G replaced by A.
Protein change: p.Glu846Lys; replaces glutamic acid 846 with lysine.
Molecular consequence: missense variant.
Genome position (GRCh38, 1-based): chr16:1,526,660, C>T on the plus strand (G>A on the coding strand, the complement: IFT140 is on the minus strand). VCF-style: chr16-1526660-C-T. GRCh37 (hg19) VCF-style: chr16-1576661-C-T.
Other names: short protein forms E846K.
Identifiers: ClinVar variation 1432925 (VCV001432925.6), dbSNP rs896477215, ClinGen allele CA276680677.